The following is an entry in ClinVar:

NM_000431.4(MVK):c.889C>A (p.Leu297Ile)

Gene: MVK (mevalonate kinase; plus strand). Cytogenetic location: 12q24.11.
Variant type: single nucleotide variant.
Coding change: c.889C>A on transcript NM_000431.4 (MANE Select); coding-DNA position 889, C replaced by A.
Protein change: p.Leu297Ile; replaces leucine 297 with isoleucine.
Molecular consequence: missense variant.
Genome position (GRCh38, 1-based): chr12:109,595,031, C>A. VCF-style: chr12-109595031-C-A. GRCh37 (hg19) VCF-style: chr12-110032836-C-A.
Other names: c.889C>A, p.Leu297Ile (NM_001114185.3); c.733C>A, p.Leu245Ile (NM_001301182.2); c.889C>A (NM_000431.3); short protein forms L245I, L297I.
Identifiers: ClinVar variation 1007894 (VCV001007894.6), dbSNP rs1047311477, ClinGen allele CA243461812.
Genomic context (GRCh38, chr12:109,595,031, plus strand): 5'-CATAGGACCTTGGCCTCAGGCAGGCCAAGTGGGAACAGATGGAACCTTCTCCCCTAGGAG[C>A]TCATTGACATGAACCAGCACCATCTGAATGCCCTCGGCGTGGGCCACGCCTCTCTGGACC-3'
Protein context (NP_000422.1, residues 287-307): APEQYLVLEE[Leu297Ile]IDMNQHHLNA

ClinVar aggregate classification (germline): Uncertain significance. Review status: criteria provided, multiple submitters, no conflicts (2 of 4 stars). 3 submissions from 3 submitters: Uncertain significance (3). Last evaluated 2026-07-22.

Conditions:
MVK-related disorder. Also called: MVK-related disorders; MVK-related condition. Identifiers: MedGen CN239294.
Hyperimmunoglobulin D with periodic fever (HIDS). Also called: Hyperimmunoglobulinemia D with periodic fever; Hyperimmunoglobulinemia D; HYPERIMMUNOGLOBULINEMIA D AND PERIODIC FEVER SYNDROME. Identifiers: Orphanet 343, MedGen C0398691, MONDO:0009849, OMIM 260920.
Porokeratosis 3, disseminated superficial actinic type (POROK3). Also called: POROKERATOSIS, DISSEMINATED SUPERFICIAL ACTINIC, 1; POROKERATOSIS 3, MULTIPLE TYPES; POROKERATOSIS 3, MIBELLI TYPE. Identifiers: MedGen C1867981, MONDO:0008293, OMIM 175900.
Mevalonic aciduria (MEVA). Identifiers: Orphanet 29, MedGen C1959626, MONDO:0012481, OMIM 610377.

Allele frequency attached by ClinVar (database versions not stated): gnomAD exomes below 0.00001; gnomAD 0.00005 and 0.00006; TOPMed 0.00008.
gnomAD v4.1: 15 of 1,614,116 alleles (0.00093%); highest among the groups gnomAD compares: African/African-American, 0.017%; no homozygotes.

Submissions (3):

PreventionGenetics, part of Exact Sciences
Classification: Uncertain significance for MVK-related condition. Last evaluated: 2026-07-22. Review status: criteria provided, single submitter. Criteria: ACMG Guidelines, 2015. Collection method: clinical testing. Allele origin: germline.
Comment: The MVK c.889C>A variant is predicted to result in the amino acid substitution p.Leu297Ile. To our knowledge, this variant has not been reported in the literature or in a large population database (gnomAD), indicating this variant is rare. At this time, the clinical significance of this variant is uncertain due to the absence of conclusive functional and genetic evidence.

Labcorp Genetics (formerly Invitae), Labcorp
Classification: Uncertain significance for Mevalonic aciduria; Hyperimmunoglobulin D with periodic fever; Porokeratosis 3, disseminated superficial actinic type. Last evaluated: 2022-09-07. Review status: criteria provided, single submitter. Criteria: Invitae Variant Classification Sherloc (09022015). Collection method: clinical testing. Allele origin: germline.
Comment: This sequence change replaces leucine, which is neutral and non-polar, with isoleucine, which is neutral and non-polar, at codon 297 of the MVK protein (p.Leu297Ile). This variant is not present in population databases (gnomAD no frequency). This variant has not been reported in the literature in individuals affected with MVK-related conditions. ClinVar contains an entry for this variant (Variation ID: 1007894). Advanced modeling of protein sequence and biophysical properties (such as structural, functional, and spatial information, amino acid conservation, physicochemical variation, residue mobility, and thermodynamic stability) performed at Invitae indicates that this missense variant is expected to disrupt MVK protein function. Algorithms developed to predict the effect of sequence changes on RNA splicing suggest that this variant may create or strengthen a splice site. In summary, the available evidence is currently insufficient to determine the role of this variant in disease. Therefore, it has been classified as a Variant of Uncertain Significance.

Fulgent Genetics
Classification: Uncertain significance for Porokeratosis 3, disseminated superficial actinic type; Hyperimmunoglobulin D with periodic fever; Mevalonic aciduria. Last evaluated: 2022-01-05. Review status: criteria provided, single submitter. Criteria: ACMG Guidelines, 2015. Collection method: clinical testing. Allele origin: unknown.